The following is an entry in ClinVar:

ClinVar aggregate classification (germline): Uncertain significance (1 of 4 stars; one submission).

Submission:

GeneDx
Classification: Uncertain significance. Last evaluated: 2026-03-27. Review status: criteria provided, single submitter. Criteria: GeneDx Variant Classification Process June 2021. Collection method: clinical testing. Allele origin: germline.
Comment: Not observed at significant frequency in large population cohorts (gnomAD); In-frame deletion of 3 amino acid(s) in a non-repeat region; In silico analysis suggests that this variant does not alter protein structure/function; Has not been previously published as pathogenic or benign to our knowledge

NM_024496.4(IRF2BPL):c.1551_1559del (p.Ser519_Pro521del)

Gene: IRF2BPL (interferon regulatory factor 2 binding protein like; minus strand). Cytogenetic location: 14q24.3.
Variant type: Deletion.
Coding change: c.1551_1559del on transcript NM_024496.4 (MANE Select); coding-DNA positions 1551 to 1559, 9 bases deleted (CCCCAGCGC; older notation c.1551_1559delCCCCAGCGC).
Protein change: p.Ser519_Pro521del.
Molecular consequence: inframe deletion.
Genome position (GRCh38, 1-based): chr14:77,026,234-77,026,242, GCGCTGGGG deleted on the plus strand (CCCCAGCGC on the coding strand, the reverse complement: IRF2BPL is on the minus strand); deleting any 9 consecutive bases within chr14:77,026,234-77,026,246 gives the same sequence; the c. name uses the placement nearest the transcript's 3' end. VCF-style (leftmost placement, unchanged base first): chr14-77026233-TGCGCTGGGG-T. GRCh37 (hg19) VCF-style: chr14-77492576-TGCGCTGGGG-T.
Identifiers: ClinVar variation 5017460 (VCV005017460.1).